The following is an entry in ClinVar:

NM_003849.4(SUCLG1):c.116G>A (p.Arg39Gln)

Gene: SUCLG1 (succinate-CoA ligase GDP/ADP-forming subunit alpha; minus strand). Cytogenetic location: 2p11.2.
Variant type: single nucleotide variant.
Coding change: c.116G>A on transcript NM_003849.4 (MANE Select); coding-DNA position 116, G replaced by A.
Protein change: p.Arg39Gln; replaces arginine 39 with glutamine.
Molecular consequence: missense variant.
Genome position (GRCh38, 1-based): chr2:84,449,734, C>T on the plus strand (G>A on the coding strand, the complement: SUCLG1 is on the minus strand). VCF-style: chr2-84449734-C-T. GRCh37 (hg19) VCF-style: chr2-84676858-C-T.
Other names: short protein forms R39Q.
Identifiers: ClinVar variation 1018080 (VCV001018080.7), dbSNP rs372512876, ClinGen allele CA1736420.

ClinVar aggregate classification (germline): Conflicting classifications of pathogenicity. Review status: criteria provided, conflicting classifications (1 of 4 stars). 2 submissions from 2 submitters: Uncertain significance (1); Likely benign (1). Last evaluated 2024-09-20.

Conditions:
Mitochondrial DNA depletion syndrome 9 (MTDPS9). Also called: SUCLG1-Related Mitochondrial DNA Depletion Syndrome, Encephalomyopathic Form with Methylmalonic Aciduria. Identifiers: Orphanet 17, MedGen C3151476, MONDO:0009504, OMIM 245400.

Allele frequency attached by ClinVar (database versions not stated): gnomAD exomes 0.00001 and 0.00002; ExAC 0.00002; gnomAD 0.00006; TOPMed 0.00006; ESP Exome Variant Server 0.00008.
gnomAD v4.1: 23 of 1,535,890 alleles (0.0015%); highest among the groups gnomAD compares: African/African-American, 0.009%; no homozygotes.

Submissions (2):

3billion
Classification: Likely benign for Mitochondrial DNA depletion syndrome 9. Last evaluated: 2024-09-20. Review status: criteria provided, single submitter. Criteria: ACMG Guidelines, 2015. Collection method: clinical testing. Allele origin: germline. Affected: no.
Comment: The homozygous variant was found in patients diagnosed with another variant in a different gene, with no symptoms related to the gene containing the homozygous variant.

Labcorp Genetics (formerly Invitae), Labcorp
Classification: Uncertain significance for Mitochondrial DNA depletion syndrome 9. Last evaluated: 2021-09-01. Review status: criteria provided, single submitter. Criteria: Invitae Variant Classification Sherloc (09022015). Collection method: clinical testing. Allele origin: germline.
Comment: This sequence change replaces arginine with glutamine at codon 39 of the SUCLG1 protein (p.Arg39Gln). The arginine residue is highly conserved and there is a small physicochemical difference between arginine and glutamine. This variant is present in population databases (rs372512876, ExAC 0.02%). This variant has not been reported in the literature in individuals affected with SUCLG1-related conditions. Algorithms developed to predict the effect of missense changes on protein structure and function are either unavailable or do not agree on the potential impact of this missense change (SIFT: "Deleterious"; PolyPhen-2: "Benign"; Align-GVGD: "Class C35"). In summary, the available evidence is currently insufficient to determine the role of this variant in disease. Therefore, it has been classified as a Variant of Uncertain Significance.